The following is an entry in ClinVar:

ClinVar aggregate classification (germline): Uncertain significance. Review status: criteria provided, multiple submitters, no conflicts (2 of 4 stars). 2 submissions from 2 submitters: Uncertain significance (2). Last evaluated 2025-08-09.

Conditions:
Early-infantile DEE. Also called: Ohtahara syndrome; Early infantile epileptic encephalopathy; Early infantile epileptic encephalopathy with suppression bursts. Identifiers: Orphanet 1934, MedGen C0393706, MONDO:0800491.

Allele frequency attached by ClinVar (database versions not stated): ExAC 0.00001; gnomAD 0.00001 and 0.00002; gnomAD exomes 0.00001.
gnomAD v4.1: 22 of 1,613,894 alleles (0.0014%); highest among the groups gnomAD compares: East Asian, 0.016%; no homozygotes.

Submissions (2):

Labcorp Genetics (formerly Invitae), Labcorp
Classification: Uncertain significance for Early-infantile DEE. Last evaluated: 2025-08-09. Review status: criteria provided, single submitter. Criteria: Invitae Variant Classification Sherloc (09022015). Collection method: clinical testing. Allele origin: germline.
Comment: This sequence change replaces arginine, which is basic and polar, with histidine, which is basic and polar, at codon 1924 of the SCN1A protein (p.Arg1924His). This variant is present in population databases (rs3749029, gnomAD 0.003%). This missense change has been observed in individual(s) with clinical features of SCN1A-related conditions (internal data). ClinVar contains an entry for this variant (Variation ID: 206881). Invitae Evidence Modeling of protein sequence and biophysical properties (such as structural, functional, and spatial information, amino acid conservation, physicochemical variation, residue mobility, and thermodynamic stability) indicates that this missense variant is expected to disrupt SCN1A protein function with a positive predictive value of 95%. This variant disrupts the p.Arg1924 amino acid residue in SCN1A. Other variant(s) that disrupt this residue have been observed in individuals with SCN1A-related conditions (PMID: 35571373), which suggests that this may be a clinically significant amino acid residue. In summary, the available evidence is currently insufficient to determine the role of this variant in disease. Therefore, it has been classified as a Variant of Uncertain Significance.

GeneDx
Classification: Uncertain significance. Last evaluated: 2024-06-26. Review status: criteria provided, single submitter. Criteria: GeneDx Variant Classification Process June 2021. Collection method: clinical testing. Allele origin: germline. Affected: yes.
Comment: Reported previously in an individual with epilepsy of infancy with migrating focal seizures; however, it was also identified in this individual's unaffected father and multiple unaffected siblings. Additionally, this individual also had two variants identified in the SLC12A5 gene. (PMID: 28477354); Not observed at significant frequency in large population cohorts (gnomAD); This substitution is predicted to be within the C-terminal cytoplasmic domain; In silico analysis supports that this missense variant has a deleterious effect on protein structure/function; This variant is associated with the following publications: (PMID: 23586701, 21713554, 28477354)

Literature cited by the submitters: PubMed 35571373 (cited by Labcorp Genetics (formerly Invitae), Labcorp).

NM_001165963.4(SCN1A):c.5771G>A (p.Arg1924His)

Genes: SCN1A (sodium voltage-gated channel alpha subunit 1; minus strand), LOC102724058 (uncharacterized LOC102724058; plus strand). Cytogenetic location: 2q24.3.
Variant type: single nucleotide variant.
Coding change: c.5771G>A on transcript NM_001165963.4 (MANE Select); coding-DNA position 5771, G replaced by A.
Protein change: p.Arg1924His; replaces arginine 1924 with histidine.
Molecular consequence: missense variant. On other transcripts: non-coding transcript variant (1).
Genome position (GRCh38, 1-based): chr2:165,991,504, C>T on the plus strand (G>A on the coding strand, the complement: SCN1A is on the minus strand). VCF-style: chr2-165991504-C-T. GRCh37 (hg19) VCF-style: chr2-166848014-C-T.
Other names: p.R1924H:CGT>CAT; c.5687G>A, p.Arg1896His (NM_001165964.3, NM_001353957.2, NM_001353958.2); c.5771G>A, p.Arg1924His (NM_001202435.3, NM_001353948.2); c.5738G>A, p.Arg1913His (NM_001353949.2, NM_001353950.2, NM_001353951.2 and 2 more transcripts); c.5735G>A, p.Arg1912His (NM_001353954.2, NM_001353955.2); c.5684G>A, p.Arg1895His (NM_001353960.2); c.3329G>A, p.Arg1110His (NM_001353961.2); short protein forms R1913H, R1924H, R1895H, R1896H, R1912H, R1110H.
Identifiers: ClinVar variation 206881 (VCV000206881.9), dbSNP rs3749029, ClinGen allele CA317666.